The following is an entry in ClinVar:

NM_004064.5(CDKN1B):c.208del (p.Pro69_Leu70insTer)

Gene: CDKN1B (cyclin dependent kinase inhibitor 1B; plus strand). Cytogenetic location: 12p13.1.
Variant type: Deletion.
Coding change: c.208del on transcript NM_004064.5 (MANE Select); coding-DNA position 208, one base deleted (C; older notation c.208delC).
Protein change: p.Pro69_Leu70insTer.
Molecular consequence: nonsense.
Genome position (GRCh38, 1-based): chr12:12,718,047, C deleted; the last of 4 consecutive C bases (chr12:12,718,044-12,718,047); deleting any one gives the same sequence. VCF-style (leftmost placement, unchanged base first): chr12-12718043-AC-A. GRCh37 (hg19) VCF-style: chr12-12870977-AC-A.
Identifiers: ClinVar variation 3265549 (VCV003265549.1).

ClinVar aggregate classification (germline): Pathogenic (1 of 4 stars; one submission).

Conditions:
Hereditary cancer-predisposing syndrome. Also called: Hereditary Cancer Syndrome; Tumor predisposition; Hereditary neoplastic syndrome; Neoplastic Syndromes, Hereditary. Identifiers: Orphanet 140162, MedGen C0027672, MeSH D009386, MONDO:0015356.

Submission:

Ambry Genetics
Classification: Pathogenic for Hereditary cancer-predisposing syndrome. Last evaluated: 2024-04-16. Review status: criteria provided, single submitter. Criteria: Ambry Variant Classification Scheme 2023. Collection method: clinical testing. Allele origin: germline.
Comment: The c.208delC pathogenic mutation, located in coding exon 1 of the CDKN1B gene, results from a deletion of one nucleotide at nucleotide position 208, causing a translational frameshift with a predicted alternate stop codon (p.L70*). This variant is considered to be rare based on population cohorts in the Genome Aggregation Database (gnomAD). This alteration is expected to result in loss of function by premature protein truncation or nonsense-mediated mRNA decay. As such, this alteration is interpreted as a disease-causing mutation.